The following is an entry in ClinVar:

NM_000218.3(KCNQ1):c.565G>A (p.Gly189Arg)

Gene: KCNQ1 (potassium voltage-gated channel subfamily Q member 1; plus strand). Cytogenetic location: 11p15.5.
Variant type: single nucleotide variant.
Coding change: c.565G>A on transcript NM_000218.3 (MANE Select); coding-DNA position 565, G replaced by A.
Protein change: p.Gly189Arg; replaces glycine 189 with arginine.
Molecular consequence: missense variant.
Genome position (GRCh38, 1-based): chr11:2,570,715, G>A. VCF-style: chr11-2570715-G-A. GRCh37 (hg19) VCF-style: chr11-2591945-G-A.
Other names: NM_000218.3(KCNQ1):c.565G>A; c.565G>A, p.Gly189Arg (NM_001406836.1); c.295G>A, p.Gly99Arg (NM_001406837.1); c.184G>A, p.Gly62Arg (NM_181798.2); c.565G>A (LRG_287t1); short protein forms G189R, G62R, G99R.
Identifiers: ClinVar variation 3114 (VCV000003114.15), dbSNP rs104894252, ClinGen allele CA007480.

ClinVar aggregate classification (germline): Uncertain significance. Review status: reviewed by expert panel (3 of 4 stars). 8 submissions from 8 submitters: Uncertain significance (1). 7 of the submissions do not count toward it. Last evaluated 2025-07-01.

Conditions:
KCNQ1-related disorder. Also called: KCNQ1-related disorders; KCNQ1-related condition. Identifiers: MedGen CN239322.
Familial long QT syndrome (RWS). Also called: Romano-Ward syndrome; VENTRICULAR FIBRILLATION WITH PROLONGED QT INTERVAL; Congenital long QT syndrome. Identifiers: Orphanet 768, MedGen C1141890, MONDO:0019171.
Long QT syndrome (LQTS). Identifiers: MedGen C0023976, MeSH D008133, MONDO:0002442. Disease mechanism: loss of function. Inheritance: Various modes of inheritance.
Long QT syndrome 1 (LQT1). Identifiers: Orphanet 101016, Orphanet 768, MedGen C4551647, MONDO:0100316, OMIM 192500, MONDO:0008646.

Allele frequency attached by ClinVar (database versions not stated): gnomAD exomes below 0.00001.
gnomAD v4.1: 1 of 1,612,306 alleles (0.000062%); highest among the groups gnomAD compares: East Asian, 0.0022%; no homozygotes.

Submissions (8):

ClinGen Potassium Channel Arrhythmia Variant Curation Expert Panel, ClinGen
Classification: Uncertain significance for Long QT syndrome 1. Last evaluated: 2025-07-01. Review status: reviewed by expert panel. Criteria: ClinGen KChannel ACMG Specifications KCNQ1 V1.0.0 2. Collection method: curation. Allele origin: germline. Inheritance: Autosomal dominant inheritance.
Comment: NM_000218.3(KCNQ1):c.565G>A (p.Gly189Arg) is a missense variant that causes replacement of glycine with arginine at position 189. This variant is present in gnomAD v.4.1.0 at a maximum allele frequency of 0.00002228, with 1/44884 in the East Asian population, which is lower than the ClinGen Potassium Channel Arrhythmia VCEP PM2_Supporting threshold of <0.00001 (PM2_Supporting). This variant is rare and has been reported in at least 2 apparently unrelated probands affected with long QT syndrome 1 (PS4_Supporting, PMID: 8528244, PMID: 10220144, PMID: 17470695). The computational predictor REVEL gives a score of 0.967, which is above the ClinGen Potassium Channel Arrhythmia VCEP PP3 threshold of >0.75 and predicts a damaging effect on KCNQ1 function. The computational splicing predictor SpliceAI gives a score of 0.43 for donor loss, which is lower than the ClinGen Potassium Channel Arrhythmia VCEP threshold of >0.5 and does not strongly predict that the variant disrupts the splicing of KCNQ1 (PP3). This variant has been shown to disrupt KCNQ1 function in three experimental assays, including manual patch-clamp, particularly in its impaired activation by treatment with the adenylyl cyclase / protein kinase A activator forskolin, and experimental / structural / functional simulation (PS3_Moderate; PMID: 22456477, PMID: 10376919, PMID: 29021305). In summary, this variant meets the criteria to be classified as a variant of uncertain significance for long QT syndrome 1 based on the ACMG/AMP criteria applied, as specified by the ClinGen Potassium Channel Arrhythmia VCEP: PS3_Moderate, PS4_Supporting, PM2_Supporting, and PP3. (VCEP specifications version 1.0.0; date of approval 03/04/2025).

Labcorp Genetics (formerly Invitae), Labcorp
Classification: Pathogenic for Long QT syndrome. Last evaluated: 2024-08-17. Review status: criteria provided, single submitter. Criteria: Invitae Variant Classification Sherloc (09022015). Collection method: clinical testing. Allele origin: germline. Not counted in ClinVar's aggregate classification.
Comment: This sequence change replaces glycine, which is neutral and non-polar, with arginine, which is basic and polar, at codon 189 of the KCNQ1 protein (p.Gly189Arg). This variant is not present in population databases (gnomAD no frequency). This missense change has been observed in individuals with long QT syndrome (PMID: 8528244, 10376919, 22373669, 22456477). It has also been observed to segregate with disease in related individuals. This variant is also known as G60R. ClinVar contains an entry for this variant (Variation ID: 3114). Invitae Evidence Modeling of protein sequence and biophysical properties (such as structural, functional, and spatial information, amino acid conservation, physicochemical variation, residue mobility, and thermodynamic stability) indicates that this missense variant is expected to disrupt KCNQ1 protein function with a positive predictive value of 95%. Experimental studies have shown that this missense change affects KCNQ1 function (PMID: 10376919, 22456477). For these reasons, this variant has been classified as Pathogenic.

Department of Human Genetics, Hannover Medical School
Classification: Pathogenic for Long QT syndrome 1. Last evaluated: 2024-02-23. Review status: criteria provided, single submitter. Criteria: ACMG Guidelines, 2015. Collection method: clinical testing. Allele origin: germline. Affected: yes. Not counted in ClinVar's aggregate classification.

Blueprint Genetics
Classification: Pathogenic for KCNQ1-related disorders. Last evaluated: 2024-01-11. Review status: criteria provided, single submitter. Criteria: ACMG Guidelines, 2015. Collection method: clinical testing. Allele origin: germline. Affected: yes. Observed: 1 variant allele. Not counted in ClinVar's aggregate classification.

GeneDx
Classification: Likely pathogenic. Last evaluated: 2020-06-18. Review status: criteria provided, single submitter. Criteria: GeneDx Variant Classification Process June 2021. Collection method: clinical testing. Allele origin: germline. Affected: yes. Not counted in ClinVar's aggregate classification.
Comment: Published functional studies suggest damaging effect with loss of function but little dominant-negative impact (Wang et al., 1999) and reduction in normalized current (Barasheshet et al., 2012); Not observed in large population cohorts (Lek et al., 2016); In silico analysis supports that this missense variant has a deleterious effect on protein structure/function; This variant is associated with the following publications: (PMID: 22456477, 8528244, 10220144, 22373669, 27807201, 17470695, 21185501, 10376919)

Stanford Center for Inherited Cardiovascular Disease, Stanford University
Classification: Pathogenic. Last evaluated: 2014-01-27. Review status: criteria provided, single submitter. Criteria: ACMG Guidelines, 2015. Collection method: provider interpretation. Allele origin: germline. Not counted in ClinVar's aggregate classification.

OMIM
Classification: Pathogenic for LONG QT SYNDROME 1. Last evaluated: 1999-01-01. Review status: no assertion criteria provided. Collection method: literature only. Allele origin: germline. Not counted in ClinVar's aggregate classification.

Cardiovascular Biomedical Research Unit, Royal Brompton & Harefield NHS Foundation Trust
No classification provided. Condition: Familial long QT syndrome. Review status: no classification provided. Collection method: literature only. Allele origin: germline. Not counted in ClinVar's aggregate classification.
Comment: This variant has been reported as associated with Long QT syndrome in the following publications (PMID:8528244;PMID:10220144;PMID:17470695;PMID:10220144). This is a literature report, and does not necessarily reflect the clinical interpretation of the Imperial College / Royal Brompton Cardiovascular Genetics laboratory.

Literature cited by the submitters: PubMed 8528244 (cited by 3 submitters); PubMed 10376919 (cited by Labcorp Genetics (formerly Invitae), Labcorp); PubMed 22373669 (cited by Labcorp Genetics (formerly Invitae), Labcorp); PubMed 22456477 (cited by Labcorp Genetics (formerly Invitae), Labcorp); PubMed 10220144 (cited by OMIM and Cardiovascular Biomedical Research Unit, Royal Brompton & Harefield NHS Foundation Trust); PubMed 17470695 (cited by Cardiovascular Biomedical Research Unit, Royal Brompton & Harefield NHS Foundation Trust); PubMed 22581653 (cited by Cardiovascular Biomedical Research Unit, Royal Brompton & Harefield NHS Foundation Trust).